The following is an entry in ClinVar:

ClinVar aggregate classification (germline): Likely benign (1 of 4 stars; one submission).

Allele frequency attached by ClinVar (database versions not stated): gnomAD 0.00002 and 0.00003.
gnomAD v4.1: 6 of 1,613,974 alleles (0.00037%); highest among the groups gnomAD compares: Admixed American, 0.005%; no homozygotes.

Submission:

GeneDx
Classification: Likely benign. Last evaluated: 2021-03-08. Review status: criteria provided, single submitter. Criteria: GeneDx Variant Classification Process June 2021. Collection method: clinical testing. Allele origin: germline. Affected: yes.
Comment: Has not been previously published as pathogenic or benign to our knowledge

NM_001303052.2(MYT1L):c.37C>A (p.Arg13=)

Gene: MYT1L (myelin transcription factor 1 like; minus strand). Cytogenetic location: 2p25.3.
Variant type: single nucleotide variant.
Coding change: c.37C>A on transcript NM_001303052.2 (MANE Select); coding-DNA position 37, C replaced by A.
Protein change: p.Arg13=; no amino-acid change (arginine 13 retained).
Molecular consequence: synonymous variant.
Genome position (GRCh38, 1-based): chr2:1,979,741, G>T on the plus strand (C>A on the coding strand, the complement: MYT1L is on the minus strand). VCF-style: chr2-1979741-G-T. GRCh37 (hg19) VCF-style: chr2-1983513-G-T.
Other names: c.37C>A, p.Arg13= (NM_001329844.2, NM_001329845.1, NM_001329846.3 and 6 more transcripts).
Identifiers: ClinVar variation 1211807 (VCV001211807.3), dbSNP rs777265550, ClinGen allele CA1514495.